The following is an entry in ClinVar:

ClinVar aggregate classification (germline): Likely benign (0 of 4 stars; one submission).

Conditions:
TMEM53-related disorder. Also called: TMEM53-related condition.

Allele frequency attached by ClinVar (database versions not stated): 1000 Genomes Project 0.00280; ExAC 0.00284; 1000 Genomes Project 30x 0.00297; gnomAD 0.00303; TOPMed 0.00325; gnomAD exomes 0.00445; ESP Exome Variant Server 0.00454.

Submission:

PreventionGenetics, part of Exact Sciences
Classification: Likely benign for TMEM53-related condition. Last evaluated: 2023-03-22. Review status: no assertion criteria provided. Collection method: clinical testing. Allele origin: germline.
Comment: This variant is classified as likely benign based on ACMG/AMP sequence variant interpretation guidelines (Richards et al. 2015 PMID: 25741868, with internal and published modifications).

NM_024587.4(TMEM53):c.26C>T (p.Thr9Ile)

Gene: TMEM53 (transmembrane protein 53; minus strand). Cytogenetic location: 1p34.1.
Variant type: single nucleotide variant.
Coding change: c.26C>T on transcript NM_024587.4 (MANE Select); coding-DNA position 26, C replaced by T.
Protein change: p.Thr9Ile; replaces threonine 9 with isoleucine.
Molecular consequence: missense variant. On other transcripts: 5 prime UTR variant (1).
Genome position (GRCh38, 1-based): chr1:44,674,366, G>A on the plus strand (C>T on the coding strand, the complement: TMEM53 is on the minus strand). VCF-style: chr1-44674366-G-A. GRCh37 (hg19) VCF-style: chr1-45140038-G-A.
Other names: c.-72C>T (NM_001300746.2); c.26C>T, p.Thr9Ile (NM_001300747.2, NM_001300748.2); short protein forms T9I.
Identifiers: ClinVar variation 3033730 (VCV003033730.2), dbSNP rs146325802, ClinGen allele CA820090.